The following is an entry in ClinVar:

NM_000553.6(WRN):c.1682T>C (p.Leu561Ser)

Gene: WRN (WRN RecQ like helicase; plus strand). Cytogenetic location: 8p12.
Variant type: single nucleotide variant.
Coding change: c.1682T>C on transcript NM_000553.6 (MANE Select); coding-DNA position 1682, T replaced by C.
Protein change: p.Leu561Ser; replaces leucine 561 with serine.
Molecular consequence: missense variant.
Genome position (GRCh38, 1-based): chr8:31,090,494, T>C. VCF-style: chr8-31090494-T-C. GRCh37 (hg19) VCF-style: chr8-30948010-T-C.
Other names: short protein forms L561S.
Identifiers: ClinVar variation 2826594 (VCV002826594.3), dbSNP rs2535930289, ClinGen allele CA370926934.

ClinVar aggregate classification (germline): Uncertain significance (1 of 4 stars; one submission).

Conditions:
Werner syndrome (WRN). Identifiers: Orphanet 902, MedGen C0043119, MONDO:0010196, OMIM 277700.

Submission:

Labcorp Genetics (formerly Invitae), Labcorp
Classification: Uncertain significance for Werner syndrome. Last evaluated: 2023-01-06. Review status: criteria provided, single submitter. Criteria: Invitae Variant Classification Sherloc (09022015). Collection method: clinical testing. Allele origin: germline.
Comment: In summary, the available evidence is currently insufficient to determine the role of this variant in disease. Therefore, it has been classified as a Variant of Uncertain Significance. Algorithms developed to predict the effect of missense changes on protein structure and function are either unavailable or do not agree on the potential impact of this missense change (SIFT: "Not Available"; PolyPhen-2: "Probably Damaging"; Align-GVGD: "Not Available"). This variant has not been reported in the literature in individuals affected with WRN-related conditions. This variant is not present in population databases (gnomAD no frequency). This sequence change replaces leucine, which is neutral and non-polar, with serine, which is neutral and polar, at codon 561 of the WRN protein (p.Leu561Ser).